The following is an entry in ClinVar:

ClinVar aggregate classification (germline): Uncertain significance. Review status: criteria provided, single submitter (1 of 4 stars). 2 submissions from 2 submitters: Uncertain significance (1). 1 of the submissions does not count toward it. Last evaluated 2022-03-19.

Conditions:
Developmental and epileptic encephalopathy, 33 (DEE33). Also called: Epileptic encephalopathy, early infantile, 33. Identifiers: Orphanet 442835, MedGen C4225337, MONDO:0014625, OMIM 616409.

Submissions (2):

Labcorp Genetics (formerly Invitae), Labcorp
Classification: Uncertain significance for Developmental and epileptic encephalopathy, 33. Last evaluated: 2022-03-19. Review status: criteria provided, single submitter. Criteria: Invitae Variant Classification Sherloc (09022015). Collection method: clinical testing. Allele origin: germline.
Comment: This sequence change replaces glutamic acid, which is acidic and polar, with lysine, which is basic and polar, at codon 297 of the EEF1A2 protein (p.Glu297Lys). This variant is not present in population databases (gnomAD no frequency). In summary, the available evidence is currently insufficient to determine the role of this variant in disease. Therefore, it has been classified as a Variant of Uncertain Significance. This variant has not been reported in the literature in individuals affected with EEF1A2-related conditions. Advanced modeling of protein sequence and biophysical properties (such as structural, functional, and spatial information, amino acid conservation, physicochemical variation, residue mobility, and thermodynamic stability) performed at Invitae indicates that this missense variant is expected to disrupt EEF1A2 protein function.

Department of Genetics, Robert DEBRE University Hospital
Classification: Likely pathogenic. Last evaluated: 2018-07-16. Review status: no assertion criteria provided. Collection method: clinical testing. Allele origin: de novo. Affected: yes. Not counted in ClinVar's aggregate classification.

NM_001958.5(EEF1A2):c.889G>A (p.Glu297Lys)

Gene: EEF1A2 (eukaryotic translation elongation factor 1 alpha 2; minus strand). Cytogenetic location: 20q13.33.
Variant type: single nucleotide variant.
Coding change: c.889G>A on transcript NM_001958.5 (MANE Select); coding-DNA position 889, G replaced by A.
Protein change: p.Glu297Lys; replaces glutamic acid 297 with lysine.
Molecular consequence: missense variant.
Genome position (GRCh38, 1-based): chr20:63,490,619, C>T on the plus strand (G>A on the coding strand, the complement: EEF1A2 is on the minus strand). VCF-style: chr20-63490619-C-T. GRCh37 (hg19) VCF-style: chr20-62121972-C-T.
Other names: c.889G>A (NM_001958.3); short protein forms E297K.
Identifiers: ClinVar variation 1463326 (VCV001463326.9), dbSNP rs1395381555, ClinGen allele CA409647698.